The following is an entry in ClinVar:

ClinVar aggregate classification (germline): Conflicting classifications of pathogenicity. Review status: criteria provided, conflicting classifications (1 of 4 stars). 4 submissions from 4 submitters: Uncertain significance (3); Likely benign (1). Last evaluated 2025-10-21.

Conditions:
Hereditary cancer-predisposing syndrome. Also called: Hereditary Cancer Syndrome; Tumor predisposition; Hereditary neoplastic syndrome; Neoplastic Syndromes, Hereditary. Identifiers: Orphanet 140162, MedGen C0027672, MeSH D009386, MONDO:0015356.
Hereditary breast ovarian cancer syndrome. Also called: Hereditary breast and ovarian cancer; Hereditary breast and ovarian cancer syndrome; BRCA1- and BRCA2-Associated Hereditary Breast and Ovarian Cancer; Hereditary breast and ovarian cancer syndrome (HBOC); Breast and ovarian cancer; Hereditary breast and/or ovarian cancer syndrome. Identifiers: Orphanet 145, MedGen C0677776, MeSH D061325, MONDO:0003582. Disease mechanism: loss of function.

Allele frequency attached by ClinVar (database versions not stated): gnomAD exomes below 0.00001; ExAC 0.00001; gnomAD 0.00001; TOPMed 0.00001.
gnomAD v4.1: 1 of 1,613,918 alleles (0.000062%); highest among the groups gnomAD compares: African/African-American, 0.0013%; no homozygotes.

Submissions (4):

Ambry Genetics
Classification: Uncertain significance for Hereditary cancer-predisposing syndrome. Last evaluated: 2025-10-21. Review status: criteria provided, single submitter. Criteria: Ambry Variant Classification Scheme 2023. Collection method: clinical testing. Allele origin: germline.
Comment: The p.K970R variant (also known as c.2909A>G), located in coding exon 9 of the BRCA1 gene, results from an A to G substitution at nucleotide position 2909. The lysine at codon 970 is replaced by arginine, an amino acid with highly similar properties. This amino acid position is not well conserved in available vertebrate species. In addition, the in silico prediction for this alteration is inconclusive. Based on the available evidence, the clinical significance of this variant remains unclear.

Labcorp Genetics (formerly Invitae), Labcorp
Classification: Uncertain significance for Hereditary breast ovarian cancer syndrome. Last evaluated: 2025-03-11. Review status: criteria provided, single submitter. Criteria: Invitae Variant Classification Sherloc (09022015). Collection method: clinical testing. Allele origin: germline.
Comment: This sequence change replaces lysine, which is basic and polar, with arginine, which is basic and polar, at codon 970 of the BRCA1 protein (p.Lys970Arg). This variant is present in population databases (rs756559408, gnomAD 0.007%). This missense change has been observed in individual(s) with colorectal cancer (PMID: 28135145). This variant is also known as c.3028A>G. ClinVar contains an entry for this variant (Variation ID: 647254). Invitae Evidence Modeling of protein sequence and biophysical properties (such as structural, functional, and spatial information, amino acid conservation, physicochemical variation, residue mobility, and thermodynamic stability) has been performed for this missense variant. However, the output from this modeling did not meet the statistical confidence thresholds required to predict the impact of this variant on BRCA1 protein function. In summary, the available evidence is currently insufficient to determine the role of this variant in disease. Therefore, it has been classified as a Variant of Uncertain Significance.

University of Washington Department of Laboratory Medicine, University of Washington
Classification: Likely benign for Hereditary cancer-predisposing syndrome. Last evaluated: 2023-03-23. Review status: criteria provided, single submitter. Criteria: Dines et al. (Genet Med. 2020). Collection method: curation. Allele origin: germline.
Comment: Missense variant in a coldspot region where missense variants are very unlikely to be pathogenic (PMID:31911673).

BRCA1 coldspot (exon 11 using historical exon numbering). Reclassification based on statistical prior probability

Quest Diagnostics Nichols Institute San Juan Capistrano
Classification: Uncertain significance. Last evaluated: 2021-04-09. Review status: criteria provided, single submitter. Criteria: Quest Diagnostics criteria. Collection method: clinical testing. Allele origin: unknown.

Literature cited by the submitters: PubMed 28135145 (cited by Labcorp Genetics (formerly Invitae), Labcorp and Quest Diagnostics Nichols Institute San Juan Capistrano).

NM_007294.4(BRCA1):c.2909A>G (p.Lys970Arg)

Gene: BRCA1 (BRCA1 DNA repair associated; minus strand). Cytogenetic location: 17q21.31.
Variant type: single nucleotide variant.
Coding change: c.2909A>G on transcript NM_007294.4 (MANE Select); coding-DNA position 2909, A replaced by G.
Protein change: p.Lys970Arg; replaces lysine 970 with arginine.
Molecular consequence: missense variant. On other transcripts: intron variant (137).
Genome position (GRCh38, 1-based): chr17:43,092,622, T>C on the plus strand (A>G on the coding strand, the complement: BRCA1 is on the minus strand). VCF-style: chr17-43092622-T-C. GRCh37 (hg19) VCF-style: chr17-41244639-T-C.
Other names: c.2696A>G, p.Lys899Arg (NM_001407571.1, NM_001407853.1, NM_001407894.1 and 9 more transcripts); c.2909A>G, p.Lys970Arg (NM_001407581.1, NM_001407582.1, NM_001407583.1 and 30 more transcripts); c.2906A>G, p.Lys969Arg (NM_001407587.1, NM_001407590.1, NM_001407591.1 and 22 more transcripts); c.2900A>G, p.Lys967Arg (NM_001407646.1, NM_001407647.1); c.2786A>G, p.Lys929Arg (NM_001407648.1, NM_001407664.1, NM_001407665.1 and 19 more transcripts); c.2783A>G, p.Lys928Arg (NM_001407649.1, NM_001407670.1, NM_001407671.1 and 11 more transcripts); c.2831A>G, p.Lys944Arg (NM_001407653.1, NM_001407654.1, NM_001407655.1 and 4 more transcripts); c.2828A>G, p.Lys943Arg (NM_001407659.1, NM_001407660.1, NM_001407661.1 and 1 more transcripts); and 41 more; short protein forms K970R, K923R, K859R, K882R, K903R, K922R, K928R, K944R.
Identifiers: ClinVar variation 647254 (VCV000647254.12), dbSNP rs756559408, ClinGen allele CA058227.